The following is an entry in ClinVar:

ClinVar aggregate classification (germline): Uncertain significance (1 of 4 stars; one submission).

Allele frequency attached by ClinVar (database versions not stated): gnomAD exomes 0.00001; ExAC 0.00002; gnomAD 0.00002; TOPMed 0.00003.
gnomAD v4.1: 8 of 1,207,273 alleles (0.00066%); highest among the groups gnomAD compares: African/African-American, 0.0035%; no homozygotes.

Submission:

Labcorp Genetics (formerly Invitae), Labcorp
Classification: Uncertain significance. Last evaluated: 2022-07-25. Review status: criteria provided, single submitter. Criteria: Invitae Variant Classification Sherloc (09022015). Collection method: clinical testing. Allele origin: germline.
Comment: Algorithms developed to predict the effect of missense changes on protein structure and function (SIFT, PolyPhen-2, Align-GVGD) all suggest that this variant is likely to be tolerated. In summary, the available evidence is currently insufficient to determine the role of this variant in disease. Therefore, it has been classified as a Variant of Uncertain Significance. This variant has not been reported in the literature in individuals affected with HUWE1-related conditions. This sequence change replaces valine, which is neutral and non-polar, with isoleucine, which is neutral and non-polar, at codon 3322 of the HUWE1 protein (p.Val3322Ile). The frequency data for this variant in the population databases is considered unreliable, as metrics indicate poor data quality at this position in the gnomAD database.

NM_031407.7(HUWE1):c.9964G>A (p.Val3322Ile)

Gene: HUWE1 (HECT, UBA and WWE domain containing E3 ubiquitin protein ligase 1; minus strand). Cytogenetic location: Xp11.22.
Variant type: single nucleotide variant.
Coding change: c.9964G>A on transcript NM_031407.7 (MANE Select); coding-DNA position 9964, G replaced by A.
Protein change: p.Val3322Ile; replaces valine 3322 with isoleucine.
Molecular consequence: missense variant.
Genome position (GRCh38, 1-based): chrX:53,549,030, C>T on the plus strand (G>A on the coding strand, the complement: HUWE1 is on the minus strand). VCF-style: chrX-53549030-C-T. GRCh37 (hg19) VCF-style: chrX-53575991-C-T.
Other names: short protein forms V3322I.
Identifiers: ClinVar variation 1950468 (VCV001950468.5), dbSNP rs782714213, ClinGen allele CA10421601.
Genomic context (GRCh38, chrX:53,549,030, plus strand): 5'-GAATGAGTGTATCCAAAACGTGTCTGCAGACAACAGGAGCAGCTTGGGGATGGATGTGGA[C>T]GGTGGAGCCACCGCTTGCATGCTTCTCGGTATGTTTACGCCCCCCTGAACGCTGGATCTG-3'
Protein context (NP_113584.3, residues 3312-3332): TEKHASGGST[Val3322Ile]HIHPQAAPVV